The following is an entry in ClinVar:

NM_004380.3(CREBBP):c.6273A>T (p.Lys2091Asn)

Gene: CREBBP (CREB binding protein; minus strand). Cytogenetic location: 16p13.3.
Variant type: single nucleotide variant.
Coding change: c.6273A>T on transcript NM_004380.3 (MANE Select); coding-DNA position 6273, A replaced by T.
Protein change: p.Lys2091Asn; replaces lysine 2091 with asparagine.
Molecular consequence: missense variant.
Genome position (GRCh38, 1-based): chr16:3,728,774, T>A on the plus strand (A>T on the coding strand, the complement: CREBBP is on the minus strand). VCF-style: chr16-3728774-T-A. GRCh37 (hg19) VCF-style: chr16-3778775-T-A.
Other names: c.6159A>T, p.Lys2053Asn (NM_001079846.1); short protein forms K2053N, K2091N.
Identifiers: ClinVar variation 1307525 (VCV001307525.2), dbSNP rs2151305024, ClinGen allele CA394553749.

ClinVar aggregate classification (germline): Uncertain significance (1 of 4 stars; one submission).

Submission:

GeneDx
Classification: Uncertain significance. Last evaluated: 2019-08-04. Review status: criteria provided, single submitter. Criteria: GeneDx Variant Classification Process June 2021. Collection method: clinical testing. Allele origin: germline. Affected: yes.
Comment: Not observed in large population cohorts (Lek et al., 2016); In silico analysis, which includes protein predictors and evolutionary conservation, supports a deleterious effect; Has not been previously published as pathogenic or benign to our knowledge